The following is an entry in ClinVar:

NM_004168.4(SDHA):c.896-5T>C

Gene: SDHA (succinate dehydrogenase complex flavoprotein subunit A; plus strand). Cytogenetic location: 5p15.33.
Variant type: single nucleotide variant.
Coding change: c.896-5T>C on transcript NM_004168.4 (MANE Select); 5 bases into the intron before coding-DNA position 896, T replaced by C.
Molecular consequence: intron variant.
Genome position (GRCh38, 1-based): chr5:233,472, T>C. VCF-style: chr5-233472-T-C. GRCh37 (hg19) VCF-style: chr5-233587-T-C.
Other names: c.896-5T>C (NM_001330758.2); c.752-5T>C (NM_001294332.2).
Identifiers: ClinVar variation 3316857 (VCV003316857.1).

ClinVar aggregate classification (germline): Uncertain significance (1 of 4 stars; one submission).

Conditions:
Hereditary cancer-predisposing syndrome. Also called: Neoplastic Syndromes, Hereditary; Tumor predisposition; Hereditary neoplastic syndrome; Hereditary Cancer Syndrome. Identifiers: Orphanet 140162, MedGen C0027672, MeSH D009386, MONDO:0015356.

Submission:

Ambry Genetics
Classification: Uncertain significance for Hereditary cancer-predisposing syndrome. Last evaluated: 2024-06-21. Review status: criteria provided, single submitter. Criteria: Ambry Variant Classification Scheme 2023. Collection method: clinical testing. Allele origin: germline.
Comment: The c.896-5T>C intronic variant results from a T to C substitution 5 nucleotides upstream from coding exon 8 in the SDHA gene. This nucleotide position is not well conserved in available vertebrate species. In silico splice site analysis predicts that this alteration will not have any significant effect on splicing. Based on the available evidence, the clinical significance of this variant remains unclear.